The following is an entry in ClinVar:

ClinVar aggregate classification (germline): Uncertain significance. Review status: criteria provided, multiple submitters, no conflicts (2 of 4 stars). 2 submissions from 2 submitters: Uncertain significance (2). Last evaluated 2026-06-10.

Conditions:
PTPRQ-related disorder. Also called: PTPRQ-related condition.

gnomAD v4.1: 52 of 1,530,202 alleles (0.0034%); highest among the groups gnomAD compares: African/African-American, 0.045%; no homozygotes.

Submissions (2):

PreventionGenetics, part of Exact Sciences
Classification: Uncertain significance for PTPRQ-related condition. Last evaluated: 2026-06-10. Review status: criteria provided, single submitter. Criteria: ACMG Guidelines, 2015. Collection method: clinical testing. Allele origin: germline.
Comment: The PTPRQ c.4927G>A variant is predicted to result in the amino acid substitution p.Asp1643Asn. To our knowledge, this variant has not been reported in the literature. This variant is reported in 0.038% of alleles in individuals of African descent in gnomAD. At this time, the clinical significance of this variant is uncertain due to the absence of conclusive functional and genetic evidence.

GeneDx
Classification: Uncertain significance. Last evaluated: 2024-05-28. Review status: criteria provided, single submitter. Criteria: GeneDx Variant Classification Process June 2021. Collection method: clinical testing. Allele origin: germline. Affected: yes.
Comment: In silico analysis supports that this missense variant has a deleterious effect on protein structure/function; Has not been previously published as pathogenic or benign to our knowledge

NM_001145026.2(PTPRQ):c.4927G>A (p.Asp1643Asn)

Gene: PTPRQ (protein tyrosine phosphatase receptor type Q; plus strand). Cytogenetic location: 12q21.31.
Variant type: single nucleotide variant.
Coding change: c.4927G>A on transcript NM_001145026.2 (MANE Select); coding-DNA position 4927, G replaced by A.
Protein change: p.Asp1643Asn; replaces aspartic acid 1643 with asparagine.
Molecular consequence: missense variant.
Genome position (GRCh38, 1-based): chr12:80,613,600, G>A. VCF-style: chr12-80613600-G-A. GRCh37 (hg19) VCF-style: chr12-81007379-G-A.
Other names: short protein forms D1643N.
Identifiers: ClinVar variation 3383522 (VCV003383522.2).